The following is an entry in ClinVar:

ClinVar aggregate classification (germline): Benign. Review status: criteria provided, multiple submitters, no conflicts (2 of 4 stars). 11 submissions from 11 submitters: Benign (9). 2 of the submissions do not count toward it. Last evaluated 2026-02-04.

Conditions:
Cardiovascular phenotype. Identifiers: MedGen CN230736.
Long QT syndrome (LQTS). Identifiers: MedGen C0023976, MeSH D008133, MONDO:0002442. Disease mechanism: loss of function. Inheritance: Various modes of inheritance.
Cardiac arrhythmia, ankyrin-B-related. Also called: ANKYRIN-B SYNDROME. Identifiers: Orphanet 101016, Orphanet 768, MedGen C1970119, MONDO:0010958, OMIM 600919.

Allele frequency attached by ClinVar (database versions not stated): 1000 Genomes Project 0.09205; gnomAD exomes 0.09463 and 0.10528; 1000 Genomes Project 30x 0.09697; ExAC 0.09821; gnomAD 0.12327 and 0.12780; TOPMed 0.12694; ESP Exome Variant Server 0.13940.
gnomAD v4.1: 172,779 of 1,613,894 alleles (11%); highest among the groups gnomAD compares: African/African-American, 18%; 10,113 homozygotes.

Submissions (11):

Labcorp Genetics (formerly Invitae), Labcorp
Classification: Benign for Long QT syndrome. Last evaluated: 2026-02-04. Review status: criteria provided, single submitter. Criteria: Invitae Variant Classification Sherloc (09022015). Collection method: clinical testing. Allele origin: germline.

Molecular Diagnostic Laboratory for Inherited Cardiovascular Disease, Montreal Heart Institute
Classification: Benign. Last evaluated: 2025-04-09. Review status: criteria provided, single submitter. Criteria: ACMG Guidelines, 2015. Collection method: clinical testing. Allele origin: germline. Affected: no.

Blueprint Genetics
Classification: Benign. Last evaluated: 2024-11-26. Review status: criteria provided, single submitter. Criteria: ACMG Guidelines, 2015. Collection method: clinical testing. Allele origin: germline.

Genome-Nilou Lab
Classification: Benign for Cardiac arrhythmia, ankyrin-B-related. Last evaluated: 2021-12-05. Review status: criteria provided, single submitter. Criteria: ACMG Guidelines, 2015. Collection method: clinical testing. Allele origin: germline. Affected: no.

Illumina Laboratory Services, Illumina
Classification: Benign for Cardiac arrhythmia, ankyrin-B-related. Last evaluated: 2018-01-13. Review status: criteria provided, single submitter. Criteria: ICSL Variant Classification Criteria 13 December 2019. Collection method: clinical testing. Allele origin: germline.
Comment: This variant was observed in the ICSL laboratory as part of a predisposition screen in an ostensibly healthy population. It had not been previously curated by ICSL or reported in the Human Gene Mutation Database (HGMD: prior to June 1st, 2018), and was therefore a candidate for classification through an automated scoring system. Utilizing variant allele frequency, disease prevalence and penetrance estimates, and inheritance mode, an automated score was calculated to assess if this variant is too frequent to cause the disease. Based on the score and internal cut-off values, a variant classified as benign is not then subjected to further curation. The score for this variant resulted in a classification of benign for this disease.

Ambry Genetics
Classification: Benign for Cardiovascular phenotype. Last evaluated: 2015-06-12. Review status: criteria provided, single submitter. Criteria: Ambry Variant Classification Scheme 2023. Collection method: clinical testing. Allele origin: germline.

GeneDx
Classification: Benign. Last evaluated: 2015-03-03. Review status: criteria provided, single submitter. Criteria: GeneDx Variant Classification Process June 2021. Collection method: clinical testing. Allele origin: germline. Affected: yes.

Breakthrough Genomics
Classification: Benign. Review status: criteria provided, single submitter. Criteria: ACMG Guidelines, 2015. Collection method: not provided. Allele origin: germline. Inheritance: Autosomal dominant inheritance. Affected: yes.

PreventionGenetics, part of Exact Sciences
Classification: Benign. Review status: criteria provided, single submitter. Criteria: ACMG Guidelines, 2015. Collection method: clinical testing. Allele origin: germline.

Clinical Genetics, Academic Medical Center
Classification: Benign. Review status: no assertion criteria provided. Collection method: clinical testing. Allele origin: germline. Affected: yes. Study: VKGL Data-share Consensus. Not counted in ClinVar's aggregate classification.

Diagnostic Laboratory, Department of Genetics, University Medical Center Groningen
Classification: Benign for Cardiac arrhythmia, ankyrin-B-related. Review status: no assertion criteria provided. Collection method: clinical testing. Allele origin: germline. Affected: yes. Study: VKGL Data-share Consensus. Not counted in ClinVar's aggregate classification.

NM_001148.6(ANK2):c.9648A>G (p.Glu3216=)

Gene: ANK2 (ankyrin 2; plus strand). Cytogenetic location: 4q26.
Variant type: single nucleotide variant.
Coding change: c.9648A>G on transcript NM_001148.6 (MANE Select); coding-DNA position 9648, A replaced by G.
Protein change: p.Glu3216=; no amino-acid change (glutamic acid 3216 retained).
Molecular consequence: synonymous variant. On other transcripts: intron variant (68).
Genome position (GRCh38, 1-based): chr4:113,358,266, A>G. VCF-style: chr4-113358266-A-G. GRCh37 (hg19) VCF-style: chr4-114279422-A-G.
Other names: c.9414A>G, p.Glu3138= (NM_001386142.1); c.6048A>G, p.Glu2016= (NM_001386166.1); c.9789A>G, p.Glu3263= (NM_001386174.1); c.9765A>G, p.Glu3255= (NM_001386175.1); c.4412-2557A>G (NM_001386186.2, NM_001386148.2); c.4214-2557A>G (NM_001354269.3); c.4292-2557A>G (NM_001386187.2); c.4253-2557A>G (NM_001386147.1); and 36 more.
Identifiers: ClinVar variation 257583 (VCV000257583.26), dbSNP rs10013743, ClinGen allele CA3051953.